The following is an entry in ClinVar:

NM_022455.5(NSD1):c.2345G>A (p.Ser782Asn)

Gene: NSD1 (nuclear receptor binding SET domain protein 1; plus strand). Cytogenetic location: 5q35.3.
Variant type: single nucleotide variant.
Coding change: c.2345G>A on transcript NM_022455.5 (MANE Select); coding-DNA position 2345, G replaced by A.
Protein change: p.Ser782Asn; replaces serine 782 with asparagine.
Molecular consequence: missense variant.
Genome position (GRCh38, 1-based): chr5:177,210,744, G>A. VCF-style: chr5-177210744-G-A. GRCh37 (hg19) VCF-style: chr5-176637745-G-A.
Other names: c.1472G>A, p.Ser491Asn (NM_001365684.2, NM_001409306.1, NM_001409307.1 and 3 more transcripts); c.2345G>A, p.Ser782Asn (NM_001409301.1, NM_001409302.1, NM_001409303.1); c.1925G>A, p.Ser642Asn (NM_001409304.1); c.1592G>A, p.Ser531Asn (NM_001409305.1); short protein forms S513N, S782N, S531N, S642N, S491N.
Identifiers: ClinVar variation 678983 (VCV000678983.1), dbSNP rs769773081, ClinGen allele CA3577248.

ClinVar aggregate classification (germline): Likely benign (1 of 4 stars; one submission).

Allele frequency attached by ClinVar (database versions not stated): gnomAD exomes 0.00001; TOPMed 0.00001; ExAC 0.00001; gnomAD 0.00001.
gnomAD v4.1: 6 of 1,614,042 alleles (0.00037%); highest among the groups gnomAD compares: Non-Finnish European, 0.00051%; no homozygotes.

Submission:

GeneDx
Classification: Likely benign. Last evaluated: 2018-05-16. Review status: criteria provided, single submitter. Criteria: GeneDx Variant Classification (06012015). Collection method: clinical testing. Allele origin: germline. Affected: yes.
Comment: This variant is considered likely benign or benign based on one or more of the following criteria: it is a conservative change, it occurs at a poorly conserved position in the protein, it is predicted to be benign by multiple in silico algorithms, and/or has population frequency not consistent with disease.